The following is an entry in ClinVar:

ClinVar aggregate classification (germline): Likely benign (1 of 4 stars; one submission).

gnomAD v4.1: 29 of 1,606,226 alleles (0.0018%); highest among the groups gnomAD compares: Middle Eastern, 0.016%; no homozygotes.

Submission:

CeGaT Center for Human Genetics Tuebingen
Classification: Likely benign. Last evaluated: 2025-10-01. Review status: criteria provided, single submitter. Criteria: CeGaT Center For Human Genetics Tuebingen Variant Classification Criteria Version 2. Collection method: clinical testing. Allele origin: germline. Affected: yes. Observed: 1 variant allele.
Comment: ANAPC1: BP4, BP7

NM_022662.4(ANAPC1):c.5331A>G (p.Glu1777=)

Gene: ANAPC1 (anaphase promoting complex subunit 1; minus strand). Cytogenetic location: 2q13.
Variant type: single nucleotide variant.
Coding change: c.5331A>G on transcript NM_022662.4 (MANE Select); coding-DNA position 5331, A replaced by G.
Protein change: p.Glu1777=; no amino-acid change (glutamic acid 1777 retained).
Molecular consequence: synonymous variant.
Genome position (GRCh38, 1-based): chr2:111,778,729, T>C on the plus strand (A>G on the coding strand, the complement: ANAPC1 is on the minus strand). VCF-style: chr2-111778729-T-C. GRCh37 (hg19) VCF-style: chr2-112536306-T-C.
Identifiers: ClinVar variation 4533770 (VCV004533770.6).